The following is an entry in ClinVar:

NM_001006630.2(CHRM2):c.973A>T (p.Ile325Phe)

Genes: CHRM2 (cholinergic receptor muscarinic 2; plus strand), LOC349160 (uncharacterized LOC349160; minus strand). Cytogenetic location: 7q33.
Variant type: single nucleotide variant.
Coding change: c.973A>T on transcript NM_001006630.2 (MANE Select); coding-DNA position 973, A replaced by T.
Protein change: p.Ile325Phe; replaces isoleucine 325 with phenylalanine.
Molecular consequence: missense variant.
Genome position (GRCh38, 1-based): chr7:137,015,838, A>T. VCF-style: chr7-137015838-A-T. GRCh37 (hg19) VCF-style: chr7-136700585-A-T.
Other names: c.973A>T, p.Ile325Phe (NM_000739.3, NM_001006626.3, NM_001006627.3 and 6 more transcripts); short protein forms I325F.
Identifiers: ClinVar variation 570391 (VCV000570391.10), dbSNP rs773330734, ClinGen allele CA4500598.

ClinVar aggregate classification (germline): Uncertain significance. Review status: criteria provided, multiple submitters, no conflicts (2 of 4 stars). 2 submissions from 2 submitters: Uncertain significance (2). Last evaluated 2025-11-03.

Allele frequency attached by ClinVar (database versions not stated): ExAC 0.00002; gnomAD 0.00006; TOPMed 0.00005; gnomAD exomes 0.00009 and 0.00003.
gnomAD v4.1: 157 of 1,612,914 alleles (0.0097%); highest among the groups gnomAD compares: Non-Finnish European, 0.012%; no homozygotes.

Submissions (2):

Labcorp Genetics (formerly Invitae), Labcorp
Classification: Uncertain significance. Last evaluated: 2025-11-03. Review status: criteria provided, single submitter. Criteria: Invitae Variant Classification Sherloc (09022015). Collection method: clinical testing. Allele origin: germline.
Comment: This sequence change replaces isoleucine, which is neutral and non-polar, with phenylalanine, which is neutral and non-polar, at codon 325 of the CHRM2 protein (p.Ile325Phe). This variant is present in population databases (rs773330734, gnomAD 0.006%). This variant has not been reported in the literature in individuals affected with CHRM2-related conditions. ClinVar contains an entry for this variant (Variation ID: 570391). An algorithm developed to predict the effect of missense changes on protein structure and function (PolyPhen-2) suggests that this variant is likely to be tolerated. In summary, the available evidence is currently insufficient to determine the role of this variant in disease. Therefore, it has been classified as a Variant of Uncertain Significance.

Ambry Genetics
Classification: Uncertain significance. Last evaluated: 2023-10-10. Review status: criteria provided, single submitter. Criteria: Ambry Variant Classification Scheme 2023. Collection method: clinical testing. Allele origin: germline.